The following is an entry in ClinVar:

ClinVar aggregate classification (germline): Uncertain significance (1 of 4 stars; one submission).

Allele frequency attached by ClinVar (database versions not stated): gnomAD 0.00001; TOPMed 0.00001.
gnomAD v4.1: 2 of 1,603,148 alleles (0.00012%); highest among the groups gnomAD compares: African/African-American, 0.0027%; no homozygotes.

Submission:

Labcorp Genetics (formerly Invitae), Labcorp
Classification: Uncertain significance. Last evaluated: 2022-04-23. Review status: criteria provided, single submitter. Criteria: Invitae Variant Classification Sherloc (09022015). Collection method: clinical testing. Allele origin: germline.
Comment: This sequence change replaces arginine, which is basic and polar, with histidine, which is basic and polar, at codon 407 of the PDZD7 protein (p.Arg407His). This variant is not present in population databases (gnomAD no frequency). This variant has not been reported in the literature in individuals affected with PDZD7-related conditions. Algorithms developed to predict the effect of missense changes on protein structure and function output the following: SIFT: "Tolerated"; PolyPhen-2: "Not Available"; Align-GVGD: "Class C0". The histidine amino acid residue is found in multiple mammalian species, which suggests that this missense change does not adversely affect protein function. In summary, the available evidence is currently insufficient to determine the role of this variant in disease. Therefore, it has been classified as a Variant of Uncertain Significance.

NM_001195263.2(PDZD7):c.1220G>A (p.Arg407His)

Gene: PDZD7 (PDZ domain containing 7; minus strand). Cytogenetic location: 10q24.31.
Variant type: single nucleotide variant.
Coding change: c.1220G>A on transcript NM_001195263.2 (MANE Select); coding-DNA position 1220, G replaced by A.
Protein change: p.Arg407His; replaces arginine 407 with histidine.
Molecular consequence: missense variant.
Genome position (GRCh38, 1-based): chr10:101,018,926, C>T on the plus strand (G>A on the coding strand, the complement: PDZD7 is on the minus strand). VCF-style: chr10-101018926-C-T. GRCh37 (hg19) VCF-style: chr10-102778683-C-T.
Other names: c.1220G>A, p.Arg407His (NM_001351044.2, NM_024895.5); short protein forms R407H.
Identifiers: ClinVar variation 1916778 (VCV001916778.2), dbSNP rs1373434943, ClinGen allele CA378228510.